The following is an entry in ClinVar:

NM_001042545.2(LTBP4):c.3221C>T (p.Thr1074Met)

Gene: LTBP4 (latent transforming growth factor beta binding protein 4; plus strand). Cytogenetic location: 19q13.2.
Variant type: single nucleotide variant.
Coding change: c.3221C>T on transcript NM_001042545.2 (MANE Select); coding-DNA position 3221, C replaced by T.
Protein change: p.Thr1074Met; replaces threonine 1074 with methionine.
Molecular consequence: missense variant.
Genome position (GRCh38, 1-based): chr19:40,622,404, C>T. VCF-style: chr19-40622404-C-T. GRCh37 (hg19) VCF-style: chr19-41128309-C-T.
Other names: c.3422C>T, p.Thr1141Met (NM_001042544.1); c.3311C>T, p.Thr1104Met (NM_003573.2); short protein forms T1074M, T1104M, T1141M.
Identifiers: ClinVar variation 178782 (VCV000178782.20), dbSNP rs10880, ClinGen allele CA183027.

ClinVar aggregate classification (germline): Benign/Likely benign. Review status: criteria provided, multiple submitters, no conflicts (2 of 4 stars). 9 submissions from 9 submitters: Benign (5); Likely benign (2). 2 of the submissions do not count toward it. Last evaluated 2026-02-04.

Conditions:
Cutis laxa with severe pulmonary, gastrointestinal and urinary anomalies. Also called: URBAN-RIFKIN-DAVIS SYNDROME; Cutis laxa, autosomal recessive, type IC; LTBP4-Related Cutis Laxa. Identifiers: Orphanet 221145, MedGen C2750804, MONDO:0013170, OMIM 613177. Disease mechanism: loss of function.

Allele frequency attached by ClinVar (database versions not stated): ESP Exome Variant Server 0.37056; TOPMed 0.37800; gnomAD exomes 0.37833; gnomAD 0.39072 and 0.39293; 1000 Genomes Project 30x 0.41240; 1000 Genomes Project 0.41713; ExAC 0.53767.
gnomAD v4.1: 554,001 of 1,523,288 alleles (36%); highest among the groups gnomAD compares: South Asian, 49%; 103,255 homozygotes.

Submissions (9):

Labcorp Genetics (formerly Invitae), Labcorp
Classification: Benign. Last evaluated: 2026-02-04. Review status: criteria provided, single submitter. Criteria: Invitae Variant Classification Sherloc (09022015). Collection method: clinical testing. Allele origin: germline.

Blueprint Genetics
Classification: Benign. Last evaluated: 2024-11-28. Review status: criteria provided, single submitter. Criteria: ACMG Guidelines, 2015. Collection method: clinical testing. Allele origin: germline.

Women's Health and Genetics/Laboratory Corporation of America, LabCorp
Classification: Likely benign. Last evaluated: 2021-12-03. Review status: criteria provided, single submitter. Criteria: LabCorp Variant Classification Summary - May 2015. Collection method: clinical testing. Allele origin: germline.

Genome-Nilou Lab
Classification: Benign for Cutis laxa with severe pulmonary, gastrointestinal and urinary anomalies. Last evaluated: 2021-09-05. Review status: criteria provided, single submitter. Criteria: ACMG Guidelines, 2015. Collection method: clinical testing. Allele origin: germline. Affected: no.

GeneDx
Classification: Benign. Last evaluated: 2016-09-29. Review status: criteria provided, single submitter. Criteria: GeneDx Variant Classification (06012015). Collection method: clinical testing. Allele origin: germline. Affected: yes.
Comment: This variant is considered likely benign or benign based on one or more of the following criteria: it is a conservative change, it occurs at a poorly conserved position in the protein, it is predicted to be benign by multiple in silico algorithms, and/or has population frequency not consistent with disease.

Laboratory for Molecular Medicine, Mass General Brigham Personalized Medicine
Classification: Benign. Last evaluated: 2013-02-21. Review status: criteria provided, single submitter. Criteria: LMM Criteria. Collection method: clinical testing. Allele origin: germline. Observed: 43 variant alleles.
Comment: Thr1141Met in exon 26 of LTBP4: This variant is not expected to have clinical si gnificance because it has been identified in 42.4% (1675/3950) of African Americ an chromosomes from a broad population by the NHLBI Exome Sequencing Project (dbSNP rs10880).

Breakthrough Genomics
Classification: Likely benign. Review status: criteria provided, single submitter. Criteria: ACMG Guidelines, 2015. Collection method: not provided. Allele origin: germline. Inheritance: Autosomal recessive inheritance. Affected: yes.

Genome Diagnostics Laboratory, Amsterdam University Medical Center
Classification: Benign for Cutis laxa with severe pulmonary, gastrointestinal and urinary anomalies. Last evaluated: 2016-01-15. Review status: no assertion criteria provided. Criteria: ACGS Guidelines, 2013. Collection method: clinical testing. Allele origin: germline. Affected: yes. Study: VKGL Data-share Consensus. Not counted in ClinVar's aggregate classification.

Diagnostic Laboratory, Department of Genetics, University Medical Center Groningen
Classification: Benign for Cutis laxa with severe pulmonary, gastrointestinal and urinary anomalies. Review status: no assertion criteria provided. Collection method: clinical testing. Allele origin: germline. Affected: yes. Study: VKGL Data-share Consensus. Not counted in ClinVar's aggregate classification.